The following is an entry in ClinVar:

NM_000018.4(ACADVL):c.1827+8T>C

Gene: ACADVL (acyl-CoA dehydrogenase very long chain; plus strand). Cytogenetic location: 17p13.1.
Variant type: single nucleotide variant.
Coding change: c.1827+8T>C on transcript NM_000018.4 (MANE Select); 8 bases into the intron after coding-DNA position 1827, T replaced by C.
Molecular consequence: intron variant.
Genome position (GRCh38, 1-based): chr17:7,224,892, T>C. VCF-style: chr17-7224892-T-C. GRCh37 (hg19) VCF-style: chr17-7128211-T-C.
Other names: c.1896+8T>C (NM_001270447.2); c.1599+8T>C (NM_001270448.2); c.1761+8T>C (NM_001033859.3).
Identifiers: ClinVar variation 384235 (VCV000384235.11), dbSNP rs941400018, ClinGen allele CA16608641.
Genomic context (GRCh38, chr17:7,224,892, plus strand): 5'-GCCACCCCACGGCCCAGCATGAGAAAATGCTCTGTGACACCTGGTGTATCGAGGTGAGAC[T>C]CGGGGCTGCCAAGCTCAGGTGAGGGCTGGAGGTGCAGGCCCAACCCCTCCTTCCCTCTCC-3'

ClinVar aggregate classification (germline): Likely benign. Review status: reviewed by expert panel (3 of 4 stars). 3 submissions from 3 submitters: Likely benign (1). 2 of the submissions do not count toward it. Last evaluated 2025-12-09.

Conditions:
Very long chain acyl-CoA dehydrogenase deficiency (ACADVLD). Also called: Very Long-Chain Acyl-Coenzyme A Dehydrogenase Deficiency; VLCAD Deficiency. Identifiers: Orphanet 26793, MedGen C3887523, MONDO:0008723, OMIM 201475.

Allele frequency attached by ClinVar (database versions not stated): gnomAD exomes 0.00001; gnomAD 0.00002; TOPMed 0.00002.

Submissions (3):

ClinGen ACADVL Variant Curation Expert Panel, ClinGen
Classification: Likely benign for Very long chain acyl-CoA dehydrogenase deficiency. Last evaluated: 2025-12-09. Review status: reviewed by expert panel. Criteria: ClinGen ACADVL ACMG Specifications ACADVL V2.1. Collection method: curation. Allele origin: germline.
Comment: The c.1827+8T>C (NM_000018.4) variant in ACADVL is an intronic variant which occurs in intron 19 and is not predicted by SpliceAI to impact splicing (BP4, BP7). To our knowledge, this variant has not been reported in the literature in any individuals with very long chain acyl CoA dehydrogenase (VLCAD) deficiency. The highest population minor allele frequency in gnomAD v4.1.0 is 0.00002373 in the European (non-Finnish) population, which is lower than the ClinGen ACADVL Variant Curation Expert Panel threshold (<0.001) for PM2_Supporting, however, this is not considered conflicting evidence with BP4 and BP7 (PM2_Supporting). In summary, this variant meets the criteria to be classified as likely benign for autosomal recessive VLCAD deficiency based on the ACMG/AMP criteria applied, as specified by the ClinGen ACADVL Variant Curation Expert Panel: BP4, BP7, PM2_Supporting (ACADVL VCEP specifications version 2.1.0; approved September 4, 2025).

Labcorp Genetics (formerly Invitae), Labcorp
Classification: Likely benign for Very long chain acyl-CoA dehydrogenase deficiency. Last evaluated: 2025-08-01. Review status: criteria provided, single submitter. Criteria: Invitae Variant Classification Sherloc (09022015). Collection method: clinical testing. Allele origin: germline. Not counted in ClinVar's aggregate classification.

GeneDx
Classification: Likely benign. Last evaluated: 2016-03-07. Review status: criteria provided, single submitter. Criteria: GeneDx Variant Classification (06012015). Collection method: clinical testing. Allele origin: germline. Affected: yes. Not counted in ClinVar's aggregate classification.
Comment: This variant is considered likely benign or benign based on one or more of the following criteria: it is a conservative change, it occurs at a poorly conserved position in the protein, it is predicted to be benign by multiple in silico algorithms, and/or has population frequency not consistent with disease.